The following is an entry in ClinVar:

NM_000350.3(ABCA4):c.3971C>T (p.Ala1324Val)

Gene: ABCA4 (ATP binding cassette subfamily A member 4; minus strand). Cytogenetic location: 1p22.1.
Variant type: single nucleotide variant.
Coding change: c.3971C>T on transcript NM_000350.3 (MANE Select); coding-DNA position 3971, C replaced by T.
Protein change: p.Ala1324Val; replaces alanine 1324 with valine.
Molecular consequence: missense variant.
Genome position (GRCh38, 1-based): chr1:94,031,935, G>A on the plus strand (C>T on the coding strand, the complement: ABCA4 is on the minus strand). VCF-style: chr1-94031935-G-A. GRCh37 (hg19) VCF-style: chr1-94497491-G-A.
Other names: c.3749C>T, p.Ala1250Val (NM_001425324.1); short protein forms A1324V, A1250V.
Identifiers: ClinVar variation 875736 (VCV000875736.8), dbSNP rs369361520, ClinGen allele CA26855497.
Genomic context (GRCh38, chr1:94,031,935, plus strand): 5'-AGCTGCGGGCCTGGGCACTCTGGCTCTGGGGGAGGCTGGCCCTCTGGGTGAGCAGCCGGC[G>A]CCCCTGGGGAGCAGACATTGGAGTCCTGGGGTGTCTGTCCAGCCTTCTCTCTGGGACCCA-3'
Protein context (NP_000341.2, residues 1314-1334): PQDSNVCSPG[Ala1324Val]PAAHPEGQPP

ClinVar aggregate classification (germline): Uncertain significance. Review status: criteria provided, multiple submitters, no conflicts (2 of 4 stars). 4 submissions from 4 submitters: Uncertain significance (4). Last evaluated 2025-03-01.

Conditions:
Inborn genetic diseases. Identifiers: MedGen C0950123, MeSH D030342.
ABCA4-related disorder. Also called: ABCA4-related condition; ABCA4-related disorders. Identifiers: MedGen CN239167.

Allele frequency attached by ClinVar (database versions not stated): gnomAD exomes 0.00001; gnomAD 0.00002 and 0.00003; TOPMed 0.00002.
gnomAD v4.1: 24 of 1,613,978 alleles (0.0015%); highest among the groups gnomAD compares: East Asian, 0.0067%; no homozygotes.

Submissions (4):

Ambry Genetics
Classification: Uncertain significance for Inborn genetic diseases. Last evaluated: 2025-03-01. Review status: criteria provided, single submitter. Criteria: Ambry Variant Classification Scheme 2023. Collection method: clinical testing. Allele origin: germline.

Blueprint Genetics
Classification: Uncertain significance. Last evaluated: 2022-08-01. Review status: criteria provided, single submitter. Criteria: ACMG Guidelines, 2015. Collection method: clinical testing. Allele origin: germline.

Labcorp Genetics (formerly Invitae), Labcorp
Classification: Uncertain significance. Last evaluated: 2021-09-24. Review status: criteria provided, single submitter. Criteria: Invitae Variant Classification Sherloc (09022015). Collection method: clinical testing. Allele origin: germline.
Comment: This sequence change replaces alanine with valine at codon 1324 of the ABCA4 protein (p.Ala1324Val). The alanine residue is weakly conserved and there is a small physicochemical difference between alanine and valine. This variant is not present in population databases (ExAC no frequency). This variant has not been reported in the literature in individuals affected with ABCA4-related conditions. ClinVar contains an entry for this variant (Variation ID: 875736). Advanced modeling of protein sequence and biophysical properties (such as structural, functional, and spatial information, amino acid conservation, physicochemical variation, residue mobility, and thermodynamic stability) performed at Invitae indicates that this missense variant is not expected to disrupt ABCA4 protein function. In summary, the available evidence is currently insufficient to determine the role of this variant in disease. Therefore, it has been classified as a Variant of Uncertain Significance.

Illumina Laboratory Services, Illumina
Classification: Uncertain significance for ABCA4-Related Disorders. Last evaluated: 2018-01-15. Review status: criteria provided, single submitter. Criteria: ICSL Variant Classification Criteria 13 December 2019. Collection method: clinical testing. Allele origin: germline.